The following is an entry in ClinVar:

ClinVar aggregate classification (germline): Benign/Likely benign. Review status: criteria provided, multiple submitters, no conflicts (2 of 4 stars). 3 submissions from 3 submitters: Benign (1); Likely benign (2). Last evaluated 2026-09-03.

Conditions:
Hereditary cancer-predisposing syndrome. Also called: Neoplastic Syndromes, Hereditary; Tumor predisposition; Hereditary Cancer Syndrome; Hereditary neoplastic syndrome. Identifiers: Orphanet 140162, MedGen C0027672, MeSH D009386, MONDO:0015356.
Gorlin syndrome. Also called: Nevoid Basal Cell Carcinoma Syndrome; Basal cell nevus syndrome. Identifiers: Orphanet 377, MedGen C0004779, MONDO:0007187.
PTCH1-related disorder. Also called: PTCH1-related disorders; PTCH1-related condition.

Allele frequency attached by ClinVar (database versions not stated): gnomAD 0.00001 and 0.00003; TOPMed 0.00003; gnomAD exomes 0.00006 and 0.00010; ExAC 0.00008.
gnomAD v4.1: 144 of 1,614,000 alleles (0.0089%); highest among the groups gnomAD compares: East Asian, 0.29%; no homozygotes.

Submissions (3):

PreventionGenetics, part of Exact Sciences
Classification: Likely benign for PTCH1-related condition. Last evaluated: 2026-09-03. Review status: criteria provided, single submitter. Criteria: ACMG Guidelines, 2015. Collection method: clinical testing. Allele origin: germline.
Comment: This variant is classified as likely benign based on ACMG/AMP sequence variant interpretation guidelines (Richards et al. 2015 PMID: 25741868, with internal and published modifications).

Labcorp Genetics (formerly Invitae), Labcorp
Classification: Benign for Gorlin syndrome. Last evaluated: 2026-02-01. Review status: criteria provided, single submitter. Criteria: Invitae Variant Classification Sherloc (09022015). Collection method: clinical testing. Allele origin: germline.

Ambry Genetics
Classification: Likely benign for Hereditary cancer-predisposing syndrome. Last evaluated: 2017-08-15. Review status: criteria provided, single submitter. Criteria: Ambry Variant Classification Scheme 2023. Collection method: clinical testing. Allele origin: germline.

NM_000264.5(PTCH1):c.1137C>T (p.Tyr379=)

Gene: PTCH1 (patched 1; minus strand). Cytogenetic location: 9q22.32.
Variant type: single nucleotide variant.
Coding change: c.1137C>T on transcript NM_000264.5 (MANE Select); coding-DNA position 1137, C replaced by T.
Protein change: p.Tyr379=; no amino-acid change (tyrosine 379 retained).
Molecular consequence: synonymous variant. On other transcripts: non-coding transcript variant (1).
Genome position (GRCh38, 1-based): chr9:95,479,078, G>A on the plus strand (C>T on the coding strand, the complement: PTCH1 is on the minus strand). VCF-style: chr9-95479078-G-A. GRCh37 (hg19) VCF-style: chr9-98241360-G-A.
Other names: c.939C>T, p.Tyr313= (NM_001083602.3); c.1134C>T, p.Tyr378= (NM_001083603.3); c.684C>T, p.Tyr228= (NM_001083604.3, NM_001083605.3, NM_001083606.3 and 1 more transcripts); c.1137C>T, p.Tyr379= (NM_001354918.2).
Identifiers: ClinVar variation 135866 (VCV000135866.17), dbSNP rs587780690, ClinGen allele CA332438.